The following is an entry in ClinVar:

NM_005051.3(QARS1):c.1886G>A (p.Arg629His)

Gene: QARS1 (glutaminyl-tRNA synthetase 1; minus strand). Cytogenetic location: 3p21.31.
Variant type: single nucleotide variant.
Coding change: c.1886G>A on transcript NM_005051.3 (MANE Select); coding-DNA position 1886, G replaced by A.
Protein change: p.Arg629His; replaces arginine 629 with histidine.
Molecular consequence: missense variant. On other transcripts: non-coding transcript variant (1).
Genome position (GRCh38, 1-based): chr3:49,098,670, C>T on the plus strand (G>A on the coding strand, the complement: QARS1 is on the minus strand). VCF-style: chr3-49098670-C-T. GRCh37 (hg19) VCF-style: chr3-49136103-C-T.
Other names: c.1853G>A, p.Arg618His (NM_001272073.2); c.1886G>A (NM_005051.1); short protein forms R629H, R618H.
Identifiers: ClinVar variation 544148 (VCV000544148.6), dbSNP rs139730889, ClinGen allele CA2391596.

ClinVar aggregate classification (germline): Uncertain significance. Review status: criteria provided, multiple submitters, no conflicts (2 of 4 stars). 3 submissions from 3 submitters: Uncertain significance (3). Last evaluated 2026-03-03.

Conditions:
Inborn genetic diseases. Identifiers: MedGen C0950123, MeSH D030342.
Diffuse cerebral and cerebellar atrophy - intractable seizures - progressive microcephaly syndrome. Also called: Microcephaly, progressive, with seizures and cerebral and cerebellar atrophy. Identifiers: Orphanet 404437, MedGen C4014239, MONDO:0014335, OMIM 615760.

Allele frequency attached by ClinVar (database versions not stated): gnomAD 0.00007; ESP Exome Variant Server 0.00023; ExAC 0.00006; TOPMed 0.00008; gnomAD exomes 0.00004.
gnomAD v4.1: 40 of 1,604,228 alleles (0.0025%); highest among the groups gnomAD compares: African/African-American, 0.026%; no homozygotes.

Submissions (3):

GeneDx
Classification: Uncertain significance. Last evaluated: 2026-03-03. Review status: criteria provided, single submitter. Criteria: GeneDx Variant Classification Process June 2021. Collection method: clinical testing. Allele origin: germline.
Comment: Not observed at significant frequency in large population cohorts (gnomAD); In silico analysis supports that this missense variant has a deleterious effect on protein structure/function; Has not been previously published as pathogenic or benign to our knowledge; This variant is associated with the following publications: (PMID: 25471517)

Ambry Genetics
Classification: Uncertain significance for Inborn genetic diseases. Last evaluated: 2025-04-08. Review status: criteria provided, single submitter. Criteria: Ambry Variant Classification Scheme 2023. Collection method: clinical testing. Allele origin: germline.

Labcorp Genetics (formerly Invitae), Labcorp
Classification: Uncertain significance for Diffuse cerebral and cerebellar atrophy - intractable seizures - progressive microcephaly syndrome. Last evaluated: 2024-12-02. Review status: criteria provided, single submitter. Criteria: Invitae Variant Classification Sherloc (09022015). Collection method: clinical testing. Allele origin: germline.
Comment: This sequence change replaces arginine, which is basic and polar, with histidine, which is basic and polar, at codon 629 of the QARS protein (p.Arg629His). This variant is present in population databases (rs139730889, gnomAD 0.01%). This variant has not been reported in the literature in individuals affected with QARS-related conditions. ClinVar contains an entry for this variant (Variation ID: 544148). Invitae Evidence Modeling of protein sequence and biophysical properties (such as structural, functional, and spatial information, amino acid conservation, physicochemical variation, residue mobility, and thermodynamic stability) has been performed for this missense variant. However, the output from this modeling did not meet the statistical confidence thresholds required to predict the impact of this variant on QARS protein function. In summary, the available evidence is currently insufficient to determine the role of this variant in disease. Therefore, it has been classified as a Variant of Uncertain Significance.